The following is an entry in ClinVar:

NM_032520.5(GNPTG):c.412-1G>C

Gene: GNPTG (N-acetylglucosamine-1-phosphate transferase subunit gamma; plus strand). Cytogenetic location: 16p13.3.
Variant type: single nucleotide variant.
Coding change: c.412-1G>C on transcript NM_032520.5 (MANE Select); the canonical splice acceptor site of the intron before coding-DNA position 412, G replaced by C.
Molecular consequence: splice acceptor variant.
Genome position (GRCh38, 1-based): chr16:1,362,205, G>C. VCF-style: chr16-1362205-G-C. GRCh37 (hg19) VCF-style: chr16-1412206-G-C.
Identifiers: ClinVar variation 554098 (VCV000554098.5), dbSNP rs1555451866, ClinGen allele CA394187568.

ClinVar aggregate classification (germline): Likely pathogenic. Review status: criteria provided, single submitter (1 of 4 stars). 2 submissions from 2 submitters: Likely pathogenic (1). 1 of the submissions does not count toward it. Last evaluated 2023-11-17.

Conditions:
GNPTG-mucolipidosis. Also called: ML III GAMMA; ML IIIC; Mucolipidosis type III gamma; MUCOLIPIDOSIS III, COMPLEMENTATION GROUP C; MUCOLIPIDOSIS III, IRANIAN VARIANT FORM; MUCOLIPIDOSIS III, VARIANT FORM. Identifiers: Orphanet 423470, Orphanet 577, MedGen C1854896, MONDO:0009652, OMIM 252605.

Submissions (2):

Labcorp Genetics (formerly Invitae), Labcorp
Classification: Likely pathogenic. Last evaluated: 2023-11-17. Review status: criteria provided, single submitter. Criteria: Invitae Variant Classification Sherloc (09022015). Collection method: clinical testing. Allele origin: germline.
Comment: This sequence change affects an acceptor splice site in intron 6 of the GNPTG gene. It is expected to disrupt RNA splicing. Variants that disrupt the donor or acceptor splice site typically lead to a loss of protein function (PMID: 16199547), and loss-of-function variants in GNPTG are known to be pathogenic (PMID: 19370764, 20301784). This variant is not present in population databases (gnomAD no frequency). This variant has not been reported in the literature in individuals affected with GNPTG-related conditions. ClinVar contains an entry for this variant (Variation ID: 554098). Algorithms developed to predict the effect of sequence changes on RNA splicing suggest that this variant may disrupt the consensus splice site. In summary, the currently available evidence indicates that the variant is pathogenic, but additional data are needed to prove that conclusively. Therefore, this variant has been classified as Likely Pathogenic.

Counsyl
Classification: Likely pathogenic for GNPTG-mucolipidosis. Last evaluated: 2017-09-26. Review status: no assertion criteria provided. Collection method: clinical testing. Allele origin: unknown. Not counted in ClinVar's aggregate classification.

Literature cited by the submitters: PubMed 16199547 (cited by Labcorp Genetics (formerly Invitae), Labcorp); PubMed 19370764 (cited by Labcorp Genetics (formerly Invitae), Labcorp); PubMed 20301784 (cited by Labcorp Genetics (formerly Invitae), Labcorp).